The following is an entry in ClinVar:

ClinVar aggregate classification (germline): Benign (1 of 4 stars; one submission).

Allele frequency attached by ClinVar (database versions not stated): 1000 Genomes Project 30x 0.31324; 1000 Genomes Project 0.31569; gnomAD 0.37414 and 0.37479; TOPMed 0.37744.
gnomAD v4.1: 57,247 of 152,038 alleles (38%); highest among the groups gnomAD compares: Middle Eastern, 47%; 11,801 homozygotes.

Submission:

GeneDx
Classification: Benign. Last evaluated: 2018-06-16. Review status: criteria provided, single submitter. Criteria: GeneDx Variant Classification (06012015). Collection method: clinical testing. Allele origin: germline. Affected: yes.
Comment: This variant is considered likely benign or benign based on one or more of the following criteria: it is a conservative change, it occurs at a poorly conserved position in the protein, it is predicted to be benign by multiple in silico algorithms, and/or has population frequency not consistent with disease.

NM_001194998.2(CEP152):c.691+273A>G

Gene: CEP152 (centrosomal protein 152; minus strand). Cytogenetic location: 15q21.1.
Variant type: single nucleotide variant.
Coding change: c.691+273A>G on transcript NM_001194998.2 (MANE Select); 273 bases into the intron after coding-DNA position 691, A replaced by G.
Molecular consequence: intron variant.
Genome position (GRCh38, 1-based): chr15:48,795,737, T>C on the plus strand (A>G on the coding strand, the complement: CEP152 is on the minus strand). VCF-style: chr15-48795737-T-C. GRCh37 (hg19) VCF-style: chr15-49087934-T-C.
Other names: c.691+273A>G (NM_014985.4).
Identifiers: ClinVar variation 668065 (VCV000668065.1), dbSNP rs34816660, ClinGen allele CA14201275.
Genomic context (GRCh38, chr15:48,795,737, plus strand): 5'-GAAAGTAAAGAGAATAATATGATGAATCTCCACGAACCCATCTCCCAGATTCAACAATTA[T>C]GAACTCATGGCCAATTTGGCCACATCTATATTCCCACCCAACATTACCCCTCAACAGCCT-3'